The following is an entry in ClinVar:

ClinVar aggregate classification (germline): Uncertain significance (1 of 4 stars; one submission).

gnomAD v4.1: 5 of 1,196,736 alleles (0.00042%); highest among the groups gnomAD compares: Non-Finnish European, 0.00056%; no homozygotes.

Submission:

Mayo Clinic Laboratories, Mayo Clinic
Classification: Uncertain significance. Last evaluated: 2025-03-18. Review status: criteria provided, single submitter. Criteria: ACMG Guidelines, 2015. Collection method: clinical testing. Allele origin: germline. Observed: 1 variant allele.
Comment: PM2_supporting

NM_033641.4(COL4A6):c.876G>C (p.Lys292Asn)

Gene: COL4A6 (collagen type IV alpha 6 chain; minus strand). Cytogenetic location: Xq22.3.
Variant type: single nucleotide variant.
Coding change: c.876G>C on transcript NM_033641.4 (MANE Select); coding-DNA position 876, G replaced by C.
Protein change: p.Lys292Asn; replaces lysine 292 with asparagine.
Molecular consequence: missense variant.
Genome position (GRCh38, 1-based): chrX:108,196,538, C>G on the plus strand (G>C on the coding strand, the complement: COL4A6 is on the minus strand). VCF-style: chrX-108196538-C-G. GRCh37 (hg19) VCF-style: chrX-107439768-C-G.
Other names: p.Lys293Asn; c.876G>C, p.Lys292Asn (NM_001287758.2, NM_001287759.2, NM_001287760.2 and 1 more transcripts); c.879G>C, p.Lys293Asn (NM_001440759.1, NM_001847.4); short protein forms K293N, K292N.
Identifiers: ClinVar variation 4542493 (VCV004542493.1).